The following is an entry in ClinVar:

NM_138295.5(PKD1L1):c.366G>A (p.Gln122=)

Gene: PKD1L1 (polycystin 1 like 1, transient receptor potential channel interacting; minus strand). Cytogenetic location: 7p12.3.
Variant type: single nucleotide variant.
Coding change: c.366G>A on transcript NM_138295.5 (MANE Select); coding-DNA position 366, G replaced by A.
Protein change: p.Gln122=; no amino-acid change (glutamine 122 retained).
Molecular consequence: synonymous variant.
Genome position (GRCh38, 1-based): chr7:47,936,878, C>T on the plus strand (G>A on the coding strand, the complement: PKD1L1 is on the minus strand). VCF-style: chr7-47936878-C-T. GRCh37 (hg19) VCF-style: chr7-47976475-C-T.
Other names: c.366G>A (NM_138295.3).
Identifiers: ClinVar variation 2965403 (VCV002965403.5), dbSNP rs774899428, ClinGen allele CA4254391.
Genomic context (GRCh38, chr7:47,936,878, plus strand): 5'-AATATTTCGCCATGGTACATTGACATACCTATCAGCACTGTTATCACAATCCAGAGGCGC[C>T]TGTGTTTTTTCATTAACAACAGCCTGTGTTTTTTCATTAACAACACTTAACGCTGCTTCA-3'
Protein context (NP_612152.1, residues 112-132): KTQAVVNEKT[Gln122=]APLDCDNSAD

ClinVar aggregate classification (germline): Likely benign. Review status: criteria provided, single submitter (1 of 4 stars). 2 submissions from 2 submitters: Likely benign (1). 1 of the submissions does not count toward it. Last evaluated 2025-05-07.

Conditions:
PKD1L1-related disorder. Also called: PKD1L1-related condition.

Allele frequency attached by ClinVar (database versions not stated): TOPMed below 0.00001; ExAC 0.00001.
gnomAD v4.1: 9 of 1,613,524 alleles (0.00056%); 1 homozygote.

Submissions (2):

Labcorp Genetics (formerly Invitae), Labcorp
Classification: Likely benign. Last evaluated: 2025-05-07. Review status: criteria provided, single submitter. Criteria: Invitae Variant Classification Sherloc (09022015). Collection method: clinical testing. Allele origin: germline.

PreventionGenetics, part of Exact Sciences
Classification: Likely benign for PKD1L1-related condition. Last evaluated: 2023-08-14. Review status: no assertion criteria provided. Collection method: clinical testing. Allele origin: germline. Not counted in ClinVar's aggregate classification.
Comment: This variant is classified as likely benign based on ACMG/AMP sequence variant interpretation guidelines (Richards et al. 2015 PMID: 25741868, with internal and published modifications).